The following is an entry in ClinVar:

NM_002775.5(HTRA1):c.1387C>T (p.Arg463Cys)

Gene: HTRA1 (HtrA serine peptidase 1; plus strand). Cytogenetic location: 10q26.13.
Variant type: single nucleotide variant.
Coding change: c.1387C>T on transcript NM_002775.5 (MANE Select); coding-DNA position 1387, C replaced by T.
Protein change: p.Arg463Cys; replaces arginine 463 with cysteine.
Molecular consequence: missense variant.
Genome position (GRCh38, 1-based): chr10:122,514,303, C>T. VCF-style: chr10-122514303-C-T. GRCh37 (hg19) VCF-style: chr10-124273819-C-T.
Other names: short protein forms R463C.
Identifiers: ClinVar variation 2193526 (VCV002193526.4), dbSNP rs367779857, ClinGen allele CA5726170.

ClinVar aggregate classification (germline): Uncertain significance (1 of 4 stars; one submission).

Allele frequency attached by ClinVar (database versions not stated): gnomAD exomes 0.00001; ExAC 0.00002; TOPMed 0.00002; gnomAD 0.00003; ESP Exome Variant Server 0.00008; 1000 Genomes Project 0.00020; 1000 Genomes Project 30x 0.00031.
gnomAD v4.1: 21 of 1,614,040 alleles (0.0013%); highest among the groups gnomAD compares: East Asian, 0.0089%; no homozygotes.

Submission:

Labcorp Genetics (formerly Invitae), Labcorp
Classification: Uncertain significance. Last evaluated: 2022-04-19. Review status: criteria provided, single submitter. Criteria: Invitae Variant Classification Sherloc (09022015). Collection method: clinical testing. Allele origin: germline.
Comment: This variant is present in population databases (rs367779857, gnomAD 0.003%). In summary, the available evidence is currently insufficient to determine the role of this variant in disease. Therefore, it has been classified as a Variant of Uncertain Significance. Algorithms developed to predict the effect of missense changes on protein structure and function are either unavailable or do not agree on the potential impact of this missense change (SIFT: "Deleterious"; PolyPhen-2: "Probably Damaging"; Align-GVGD: "Class C15"). This variant has not been reported in the literature in individuals affected with HTRA1-related conditions. This sequence change replaces arginine, which is basic and polar, with cysteine, which is neutral and slightly polar, at codon 463 of the HTRA1 protein (p.Arg463Cys).